The following is an entry in ClinVar:

NM_182914.3(SYNE2):c.6793T>C (p.Leu2265=)

Gene: SYNE2 (spectrin repeat containing nuclear envelope protein 2; plus strand). Cytogenetic location: 14q23.2.
Variant type: single nucleotide variant.
Coding change: c.6793T>C on transcript NM_182914.3 (MANE Select); coding-DNA position 6793, T replaced by C.
Protein change: p.Leu2265=; no amino-acid change (leucine 2265 retained).
Molecular consequence: synonymous variant.
Genome position (GRCh38, 1-based): chr14:64,029,973, T>C. VCF-style: chr14-64029973-T-C. GRCh37 (hg19) VCF-style: chr14-64496691-T-C.
Other names: c.6793T>C, p.Leu2265= (NM_015180.6).
Identifiers: ClinVar variation 313528 (VCV000313528.5), dbSNP rs746513307, ClinGen allele CA7220782.

ClinVar aggregate classification (germline): Likely benign (1 of 4 stars; one submission).

Conditions:
Emery-Dreifuss muscular dystrophy 5, autosomal dominant (EDMD5). Also called: EMERY-DREIFUSS MUSCULAR DYSTROPHY 5. Identifiers: Orphanet 261, MedGen C2751805, MONDO:0013072, OMIM 612999.

Allele frequency attached by ClinVar (database versions not stated): ExAC 0.00002; gnomAD exomes 0.00002; TOPMed 0.00003.
gnomAD v4.1: 7 of 1,614,154 alleles (0.00043%); highest among the groups gnomAD compares: Non-Finnish European, 0.00059%; no homozygotes.

Submission:

Illumina Laboratory Services, Illumina
Classification: Likely benign for Emery-Dreifuss muscular dystrophy 5, autosomal dominant. Last evaluated: 2018-01-13. Review status: criteria provided, single submitter. Criteria: ICSL Variant Classification Criteria 13 December 2019. Collection method: clinical testing. Allele origin: germline.
Comment: This variant was observed in the ICSL laboratory as part of a predisposition screen in an ostensibly healthy population. It had not been previously curated by ICSL or reported in the Human Gene Mutation Database (HGMD: prior to June 1st, 2018), and was therefore a candidate for classification through an automated scoring system. Utilizing variant allele frequency, disease prevalence and penetrance estimates, and inheritance mode, an automated score was calculated to assess if this variant is too frequent to cause the disease. Based on the score and internal cut-off values, a variant classified as likely benign is not then subjected to further curation. The score for this variant resulted in a classification of likely benign for this disease.